The following is an entry in ClinVar:

NM_000135.4(FANCA):c.131A>C (p.Lys44Thr)

Gene: FANCA (FA complementation group A; minus strand). Cytogenetic location: 16q24.3.
Variant type: single nucleotide variant.
Coding change: c.131A>C on transcript NM_000135.4 (MANE Select); coding-DNA position 131, A replaced by C.
Protein change: p.Lys44Thr; replaces lysine 44 with threonine.
Molecular consequence: missense variant.
Genome position (GRCh38, 1-based): chr16:89,815,935, T>G on the plus strand (A>C on the coding strand, the complement: FANCA is on the minus strand). VCF-style: chr16-89815935-T-G. GRCh37 (hg19) VCF-style: chr16-89882343-T-G.
Other names: c.131A>C, p.Lys44Thr (NM_001018112.3, NM_001286167.3, NM_001351830.2); short protein forms K44T.
Identifiers: ClinVar variation 4619176 (VCV004619176.1).
Genomic context (GRCh38, chr16:89,815,935, plus strand): 5'-ACCTCAAGCAAAAGGGCATTCAGGTCCTGATGGCTTCGCAGGAGGCGCACAGCTGATTCC[T>G]TTAATTTCTGTGCCCTTTCAGGATTATATTTTTCCCTCTTGACCCTTCCCGCTACGGAGA-3'
Protein context (NP_000126.2, residues 34-54): KYNPERAQKL[Lys44Thr]ESAVRLLRSH

ClinVar aggregate classification (germline): Uncertain significance (1 of 4 stars; one submission).

Conditions:
Inborn genetic diseases. Identifiers: MedGen C0950123, MeSH D030342.

Submission:

Ambry Genetics
Classification: Uncertain significance for Inborn genetic diseases. Last evaluated: 2025-09-28. Review status: criteria provided, single submitter. Criteria: Ambry Variant Classification Scheme 2023. Collection method: clinical testing. Allele origin: germline.
Comment: The p.K44T variant (also known as c.131A>C), located in coding exon 2 of the FANCA gene, results from an A to C substitution at nucleotide position 131. The lysine at codon 44 is replaced by threonine, an amino acid with similar properties. This amino acid position is conserved. In addition, this alteration is predicted to be tolerated by in silico analysis. Based on the available evidence, the clinical significance of this variant remains unclear.